The following is an entry in ClinVar:

ClinVar aggregate classification (germline): Conflicting classifications of pathogenicity. Review status: criteria provided, conflicting classifications (1 of 4 stars). 2 submissions from 2 submitters: Uncertain significance (1); Likely benign (1). Last evaluated 2024-08-13.

Allele frequency attached by ClinVar (database versions not stated): ESP Exome Variant Server 0.00008; gnomAD 0.00008; gnomAD exomes 0.00010; ExAC 0.00012; TOPMed 0.00012.
gnomAD v4.1: 129 of 1,613,732 alleles (0.008%); highest among the groups gnomAD compares: South Asian, 0.011%; 1 homozygote.

Submissions (2):

Labcorp Genetics (formerly Invitae), Labcorp
Classification: Likely benign. Last evaluated: 2024-08-13. Review status: criteria provided, single submitter. Criteria: Invitae Variant Classification Sherloc (09022015). Collection method: clinical testing. Allele origin: germline.

GeneDx
Classification: Uncertain significance. Last evaluated: 2023-06-27. Review status: criteria provided, single submitter. Criteria: GeneDx Variant Classification Process June 2021. Collection method: clinical testing. Allele origin: germline. Affected: yes.
Comment: In silico analysis supports that this missense variant does not alter protein structure/function; Has not been previously published as pathogenic or benign to our knowledge

NM_183357.3(ADCY5):c.2674G>A (p.Asp892Asn)

Gene: ADCY5 (adenylate cyclase 5; minus strand). Cytogenetic location: 3q21.1.
Variant type: single nucleotide variant.
Coding change: c.2674G>A on transcript NM_183357.3 (MANE Select); coding-DNA position 2674, G replaced by A.
Protein change: p.Asp892Asn; replaces aspartic acid 892 with asparagine.
Molecular consequence: missense variant.
Genome position (GRCh38, 1-based): chr3:123,303,105, C>T on the plus strand (G>A on the coding strand, the complement: ADCY5 is on the minus strand). VCF-style: chr3-123303105-C-T. GRCh37 (hg19) VCF-style: chr3-123021952-C-T.
Other names: c.1624G>A, p.Asp542Asn (NM_001199642.1); c.2674G>A, p.Asp892Asn (NM_001378259.1); c.2674G>A (NM_183357.2); short protein forms D542N, D892N.
Identifiers: ClinVar variation 1642841 (VCV001642841.9), dbSNP rs200673681, ClinGen allele CA2577026.